The following is an entry in ClinVar:

NM_001267550.2(TTN):c.71618G>A (p.Trp23873Ter)

Genes: TTN-AS1 (TTN antisense RNA 1; plus strand), TTN (titin; minus strand). Cytogenetic location: 2q31.2.
Variant type: single nucleotide variant.
Coding change: c.71618G>A on transcript NM_001267550.2 (MANE Select); coding-DNA position 71618, G replaced by A.
Protein change: p.Trp23873Ter; replaces tryptophan 23873 with a stop codon.
Molecular consequence: nonsense.
Genome position (GRCh38, 1-based): chr2:178,574,514, C>T on the plus strand (G>A on the coding strand, the complement: TTN is on the minus strand). VCF-style: chr2-178574514-C-T. GRCh37 (hg19) VCF-style: chr2-179439241-C-T.
Other names: c.66695G>A, p.Trp22232Ter (NM_001256850.1); c.44423G>A, p.Trp14808Ter (NM_003319.4); c.63914G>A, p.Trp21305Ter (NM_133378.4); c.44798G>A, p.Trp14933Ter (NM_133432.3); c.44999G>A, p.Trp15000Ter (NM_133437.4); short protein forms W14808*, W21305*, W14933*, W15000*, W22232*, W23873*.
Identifiers: ClinVar variation 4785955 (VCV004785955.1).

ClinVar aggregate classification (germline): Likely pathogenic (1 of 4 stars; one submission).

Conditions:
Autosomal recessive limb-girdle muscular dystrophy type 2J (LGMDR10). Also called: Limb-girdle muscular dystrophy, type 2J; MUSCULAR DYSTROPHY, LIMB-GIRDLE, AUTOSOMAL RECESSIVE 10. Identifiers: Orphanet 140922, MedGen C1837342, MONDO:0012127, OMIM 608807.
Dilated cardiomyopathy 1G (CMD1G). Identifiers: Orphanet 154, MedGen C1858763, MONDO:0011400, OMIM 604145.

Submission:

Labcorp Genetics (formerly Invitae), Labcorp
Classification: Likely pathogenic for Dilated cardiomyopathy 1G; Autosomal recessive limb-girdle muscular dystrophy type 2J. Last evaluated: 2025-08-25. Review status: criteria provided, single submitter. Criteria: Invitae Variant Classification Sherloc (09022015). Collection method: clinical testing. Allele origin: germline.
Comment: This sequence change creates a premature translational stop signal (p.Trp23873*) in the TTN gene. While this is not anticipated to result in nonsense mediated decay, it is expected to create a truncated TTN protein. This variant is not present in population databases (gnomAD no frequency). This variant has not been reported in the literature in individuals affected with TTN-related conditions. This variant is located in the A band of TTN (PMID: 25589632). Truncating variants in this region are significantly overrepresented in patients affected with dilated cardiomyopathy (PMID: 25589632). Truncating variants in this region have also been reported in individuals affected with autosomal recessive centronuclear myopathy (PMID: 23975875). In summary, the currently available evidence indicates that the variant is pathogenic, but additional data are needed to prove that conclusively. Therefore, this variant has been classified as Likely Pathogenic.

Literature cited by the submitters: PubMed 25589632; PubMed 23975875.